The following is an entry in ClinVar:

NM_001033044.4(GLUL):c.474G>C (p.Gln158His)

Genes: GLUL (glutamate-ammonia ligase; minus strand), LOC126805944 (CDK7 strongly-dependent group 2 enhancer GRCh37_chr1:182354799-182355998; plus strand). Cytogenetic location: 1q25.3.
Variant type: single nucleotide variant.
Coding change: c.474G>C on transcript NM_001033044.4 (MANE Select); coding-DNA position 474, G replaced by C.
Protein change: p.Gln158His; replaces glutamine 158 with histidine.
Molecular consequence: missense variant.
Genome position (GRCh38, 1-based): chr1:182,386,257, C>G on the plus strand (G>C on the coding strand, the complement: GLUL is on the minus strand). VCF-style: chr1-182386257-C-G. GRCh37 (hg19) VCF-style: chr1-182355392-C-G.
Other names: c.474G>C, p.Gln158His (NM_001033056.4, NM_002065.7); short protein forms Q158H.
Identifiers: ClinVar variation 3390811 (VCV003390811.1).

ClinVar aggregate classification (germline): Uncertain significance (1 of 4 stars; one submission).

Submission:

GeneDx
Classification: Uncertain significance. Last evaluated: 2024-06-11. Review status: criteria provided, single submitter. Criteria: GeneDx Variant Classification Process June 2021. Collection method: clinical testing. Allele origin: germline. Affected: yes.
Comment: Not observed at significant frequency in large population cohorts (gnomAD); In silico analysis supports that this missense variant has a deleterious effect on protein structure/function; Has not been previously published as pathogenic or benign to our knowledge